The following is an entry in ClinVar:

ClinVar aggregate classification (germline): Uncertain significance (1 of 4 stars; one submission).

Conditions:
Inborn genetic diseases. Identifiers: MedGen C0950123, MeSH D030342.

Submission:

Ambry Genetics
Classification: Uncertain significance for Inborn genetic diseases. Last evaluated: 2025-10-14. Review status: criteria provided, single submitter. Criteria: Ambry Variant Classification Scheme 2023. Collection method: clinical testing. Allele origin: germline.
Comment: The p.L769P variant (also known as c.2306T>C), located in coding exon 25 of the FANCA gene, results from a T to C substitution at nucleotide position 2306. The leucine at codon 769 is replaced by proline, an amino acid with similar properties. This amino acid position is conserved. In addition, this alteration is predicted to be deleterious by in silico analysis. Based on the available evidence, the clinical significance of this variant remains unclear.

NM_000135.4(FANCA):c.2306T>C (p.Leu769Pro)

Gene: FANCA (FA complementation group A; minus strand). Cytogenetic location: 16q24.3.
Variant type: single nucleotide variant.
Coding change: c.2306T>C on transcript NM_000135.4 (MANE Select); coding-DNA position 2306, T replaced by C.
Protein change: p.Leu769Pro; replaces leucine 769 with proline.
Molecular consequence: missense variant.
Genome position (GRCh38, 1-based): chr16:89,770,176, A>G on the plus strand (T>C on the coding strand, the complement: FANCA is on the minus strand). VCF-style: chr16-89770176-A-G. GRCh37 (hg19) VCF-style: chr16-89836584-A-G.
Other names: c.2306T>C, p.Leu769Pro (NM_001286167.3); short protein forms L769P.
Identifiers: ClinVar variation 4619204 (VCV004619204.1).